The following is an entry in ClinVar:

ClinVar aggregate classification (germline): Uncertain significance (1 of 4 stars; one submission).

Submission:

GeneDx
Classification: Uncertain significance. Last evaluated: 2017-01-05. Review status: criteria provided, single submitter. Criteria: GeneDx Variant Classification (06012015). Collection method: clinical testing. Allele origin: germline. Affected: yes.
Comment: The G386A variant in the PPP2R2B gene has not been reported previously as a pathogenic variant, nor as a benign variant, to our knowledge. The G386A variant was not observed in approximately 6,500 individuals of European and African American ancestry in the NHLBI Exome Sequencing Project, indicating it is not a common benign variant in these populations. The G386A variant is a conservative amino acid substitution, which is not likely to impact secondary protein structure as these residues share similar properties. This substitution occurs at a position that is conserved across species. In silico analysis is inconsistent in its predictions as to whether or not the variant is damaging to the protein structure/function. We interpret G386A as a variant of uncertain significance.

NM_181675.4(PPP2R2B):c.1190G>C (p.Gly397Ala)

Genes: PPP2R2B (protein phosphatase 2 regulatory subunit Bbeta; minus strand), CTB-99A3.1 (uncharacterized CTB-99A3.1; plus strand). Cytogenetic location: 5q32.
Variant type: single nucleotide variant.
Coding change: c.1190G>C on transcript NM_181675.4 (MANE Select); coding-DNA position 1190, G replaced by C.
Protein change: p.Gly397Ala; replaces glycine 397 with alanine.
Molecular consequence: missense variant. On other transcripts: non-coding transcript variant (2).
Genome position (GRCh38, 1-based): chr5:146,590,089, C>G on the plus strand (G>C on the coding strand, the complement: PPP2R2B is on the minus strand). VCF-style: chr5-146590089-C-G. GRCh37 (hg19) VCF-style: chr5-145969652-C-G.
Other names: c.1208G>C, p.Gly403Ala (NM_001271899.1); c.1364G>C, p.Gly455Ala (NM_001271900.2); c.1157G>C, p.Gly386Ala (NM_001271948.2, NM_181678.2); c.1388G>C, p.Gly463Ala (NM_181674.3); c.1199G>C, p.Gly400Ala (NM_181676.3); c.1130G>C, p.Gly377Ala (NM_181677.2); short protein forms G386A, G377A, G400A, G463A, G403A, G455A, G397A.
Identifiers: ClinVar variation 392571 (VCV000392571.2), dbSNP rs778233469, ClinGen allele CA16604713.